The following is an entry in ClinVar:

ClinVar aggregate classification (germline): Conflicting classifications of pathogenicity. Review status: criteria provided, conflicting classifications (1 of 4 stars). 2 submissions from 2 submitters: Uncertain significance (1); Likely benign (1). Last evaluated 2021-09-16.

Conditions:
Familial melanoma. Also called: Hereditary melanoma; Hereditary cutaneous melanoma. Identifiers: Orphanet 618, MedGen C1512419, MONDO:0018961.
Hereditary cancer-predisposing syndrome. Also called: Neoplastic Syndromes, Hereditary; Tumor predisposition; Hereditary Cancer Syndrome; Hereditary neoplastic syndrome. Identifiers: Orphanet 140162, MedGen C0027672, MeSH D009386, MONDO:0015356.

gnomAD v4.1: 9 of 1,605,624 alleles (0.00056%); highest among the groups gnomAD compares: South Asian, 0.0055%; 1 homozygote.

Submissions (2):

Labcorp Genetics (formerly Invitae), Labcorp
Classification: Uncertain significance for Familial melanoma. Last evaluated: 2021-09-16. Review status: criteria provided, single submitter. Criteria: Invitae Variant Classification Sherloc (09022015). Collection method: clinical testing. Allele origin: germline.

Ambry Genetics
Classification: Likely benign for Hereditary cancer-predisposing syndrome. Last evaluated: 2019-12-16. Review status: criteria provided, single submitter. Criteria: Ambry Autosomal Dominant and X-Linked criteria (3/2017). Collection method: clinical testing. Allele origin: germline. Observed: 1 variant allele.
Comment: In silico models in agreement (benign);Other strong data supporting benign classification

Literature cited by the submitters: PubMed 14735200 (cited by Ambry Genetics).

NM_000077.5(CDKN2A):c.315C>T (p.Asp105=)

Gene: CDKN2A (cyclin dependent kinase inhibitor 2A; minus strand). Cytogenetic location: 9p21.3.
Variant type: single nucleotide variant.
Coding change: c.315C>T on transcript NM_000077.5; coding-DNA position 315, C replaced by T.
Protein change: p.Asp105=; no amino-acid change (aspartic acid 105 retained).
Molecular consequence: synonymous variant (on NM_000077.6). On other transcripts: missense variant (1), 3 prime UTR variant (1).
Genome position (GRCh38, 1-based): chr9:21,971,044, G>A on the plus strand (C>T on the coding strand, the complement: CDKN2A is on the minus strand). VCF-style: chr9-21971044-G-A. GRCh37 (hg19) VCF-style: chr9-21971043-G-A.
Other names: c.315C>T, p.Asp105= (NM_000077.6, NM_001195132.2); c.162C>T, p.Asp54= (NM_001363763.2); c.358C>T, p.Arg120Cys (NM_058195.4); c.*238C>T (NM_058197.5); short protein forms R120C.
Identifiers: ClinVar variation 823962 (VCV000823962.6), dbSNP rs763269347, ClinGen allele CA5012184.